The following is an entry in ClinVar:

ClinVar aggregate classification (germline): Uncertain significance. Review status: criteria provided, multiple submitters, no conflicts (2 of 4 stars). 2 submissions from 2 submitters: Uncertain significance (2). Last evaluated 2024-12-16.

Conditions:
Nephronophthisis. Also called: Juvenile Nephronophthisis. Identifiers: Orphanet 655, MedGen C0687120, MONDO:0019005, HP:0000090.

Allele frequency attached by ClinVar (database versions not stated): gnomAD exomes below 0.00001.
gnomAD v4.1: 3 of 1,613,938 alleles (0.00019%); highest among the groups gnomAD compares: Middle Eastern, 0.017%; no homozygotes.

Submissions (2):

Labcorp Genetics (formerly Invitae), Labcorp
Classification: Uncertain significance for Nephronophthisis. Last evaluated: 2024-12-16. Review status: criteria provided, single submitter. Criteria: Invitae Variant Classification Sherloc (09022015). Collection method: clinical testing. Allele origin: germline.
Comment: This sequence change replaces serine, which is neutral and polar, with isoleucine, which is neutral and non-polar, at codon 321 of the NPHP4 protein (p.Ser321Ile). This variant is not present in population databases (gnomAD no frequency). This variant has not been reported in the literature in individuals affected with NPHP4-related conditions. ClinVar contains an entry for this variant (Variation ID: 1387424). An algorithm developed to predict the effect of missense changes on protein structure and function (PolyPhen-2) suggests that this variant is likely to be tolerated. In summary, the available evidence is currently insufficient to determine the role of this variant in disease. Therefore, it has been classified as a Variant of Uncertain Significance.

Blueprint Genetics
Classification: Uncertain significance. Last evaluated: 2018-11-13. Review status: criteria provided, single submitter. Criteria: ACMG Guidelines, 2015. Collection method: clinical testing. Allele origin: germline.

NM_015102.5(NPHP4):c.962G>T (p.Ser321Ile)

Gene: NPHP4 (nephrocystin 4; minus strand). Cytogenetic location: 1p36.31.
Variant type: single nucleotide variant.
Coding change: c.962G>T on transcript NM_015102.5 (MANE Select); coding-DNA position 962, G replaced by T.
Protein change: p.Ser321Ile; replaces serine 321 with isoleucine.
Molecular consequence: missense variant. On other transcripts: 5 prime UTR variant (2), non-coding transcript variant (1).
Genome position (GRCh38, 1-based): chr1:5,948,100, C>A on the plus strand (G>T on the coding strand, the complement: NPHP4 is on the minus strand). VCF-style: chr1-5948100-C-A. GRCh37 (hg19) VCF-style: chr1-6008160-C-A.
Other names: c.-405G>T (NM_001291593.2, NM_001291594.2); short protein forms S321I.
Identifiers: ClinVar variation 1387424 (VCV001387424.9), dbSNP rs1046803552, ClinGen allele CA17156811.
Genomic context (GRCh38, chr1:5,948,100, plus strand): 5'-ACCCATCCCTGGGGACCCAAGAGACAATACCTGGTCTTGGAAGAGGAGACCACTTTCCTG[C>A]TGAAGCTAGCTGAGCGCGTCAAGGCCACATCCATCTCAGGCACCAGTACAACGACCTGCG-3'
Protein context (NP_055917.1, residues 311-331): DVALTRSASF[Ser321Ile]RKVVSSSKTS